The following is an entry in ClinVar:

NM_000466.3(PEX1):c.3068C>T (p.Ser1023Phe)

Genes: PEX1 (peroxisomal biogenesis factor 1; minus strand), GATAD1 (GATA zinc finger domain containing 1; plus strand). Cytogenetic location: 7q21.2.
Variant type: single nucleotide variant.
Coding change: c.3068C>T on transcript NM_000466.3 (MANE Select); coding-DNA position 3068, C replaced by T.
Protein change: p.Ser1023Phe; replaces serine 1023 with phenylalanine.
Molecular consequence: missense variant.
Genome position (GRCh38, 1-based): chr7:92,493,092, G>A on the plus strand (C>T on the coding strand, the complement: PEX1 is on the minus strand). VCF-style: chr7-92493092-G-A. GRCh37 (hg19) VCF-style: chr7-92122406-G-A.
Other names: c.2444C>T, p.Ser815Phe (NM_001282678.2); c.2897C>T, p.Ser966Phe (NM_001282677.2); short protein forms S1023F, S815F, S966F.
Identifiers: ClinVar variation 1063115 (VCV001063115.9), dbSNP rs547203417, ClinGen allele CA368166894.

ClinVar aggregate classification (germline): Uncertain significance (1 of 4 stars; one submission).

Conditions:
Zellweger spectrum disorders (ZS). Also called: Zellweger Spectrum Disorder; Zellweger Spectrum; Zellweger syndrome; Zellweger Spectrum Disorder (ZSD). Identifiers: Orphanet 912, MedGen C0043459, MONDO:0019609.

gnomAD v4.1: 4 of 1,612,034 alleles (0.00025%); highest among the groups gnomAD compares: Non-Finnish European, 0.00034%; no homozygotes.

Submission:

Labcorp Genetics (formerly Invitae), Labcorp
Classification: Uncertain significance for Zellweger spectrum disorders. Last evaluated: 2020-03-17. Review status: criteria provided, single submitter. Criteria: Invitae Variant Classification Sherloc (09022015). Collection method: clinical testing. Allele origin: germline.
Comment: In summary, the available evidence is currently insufficient to determine the role of this variant in disease. Therefore, it has been classified as a Variant of Uncertain Significance. Algorithms developed to predict the effect of missense changes on protein structure and function are either unavailable or do not agree on the potential impact of this missense change (SIFT: "Deleterious"; PolyPhen-2: "Benign"; Align-GVGD: "Class C0"). This variant has not been reported in the literature in individuals with PEX1-related conditions. This variant is not present in population databases (ExAC no frequency). This sequence change replaces serine with phenylalanine at codon 1023 of the PEX1 protein (p.Ser1023Phe). The serine residue is moderately conserved and there is a large physicochemical difference between serine and phenylalanine.